The following is an entry in ClinVar:

NM_001035.3(RYR2):c.795C>T (p.Gly265=)

Gene: RYR2 (ryanodine receptor 2; plus strand). Cytogenetic location: 1q43.
Variant type: single nucleotide variant.
Coding change: c.795C>T on transcript NM_001035.3 (MANE Select); coding-DNA position 795, C replaced by T.
Protein change: p.Gly265=; no amino-acid change (glycine 265 retained).
Molecular consequence: synonymous variant.
Genome position (GRCh38, 1-based): chr1:237,417,070, C>T. VCF-style: chr1-237417070-C-T. GRCh37 (hg19) VCF-style: chr1-237580370-C-T.
Identifiers: ClinVar variation 771798 (VCV000771798.14), dbSNP rs189449390, ClinGen allele CA087531.

ClinVar aggregate classification (germline): Likely benign. Review status: criteria provided, multiple submitters, no conflicts (2 of 4 stars). 4 submissions from 4 submitters: Likely benign (4). Last evaluated 2026-09-12.

Conditions:
Catecholaminergic polymorphic ventricular tachycardia 1. Also called: VENTRICULAR TACHYCARDIA, CATECHOLAMINERGIC POLYMORPHIC, 1, WITH OR WITHOUT ATRIAL DYSFUNCTION AND/OR DILATED CARDIOMYOPATHY; RYR2-Related Catecholaminergic Polymorphic Ventricular Tachycardia; VENTRICULAR TACHYCARDIA, STRESS-INDUCED POLYMORPHIC 1. Identifiers: Orphanet 3286, MedGen C1631597, MONDO:0011484, OMIM 604772.
Cardiomyopathy (CMYO). Also called: Cardiomyopathies. Identifiers: Orphanet 167848, MedGen C0878544, MONDO:0004994, HP:0001638. Inheritance: Various modes of inheritance.
Cardiovascular phenotype. Identifiers: MedGen CN230736.
Catecholaminergic polymorphic ventricular tachycardia (CVPT). Also called: Catecholamine-induced polymorphic ventricular tachycardia. Identifiers: Orphanet 3286, MedGen C5574922, MONDO:0017990.

Allele frequency attached by ClinVar (database versions not stated): gnomAD exomes 0.00001; ExAC 0.00002; TOPMed 0.00004; 1000 Genomes Project 30x 0.00016; 1000 Genomes Project 0.00020.
gnomAD v4.1: 17 of 1,613,650 alleles (0.0011%); highest among the groups gnomAD compares: Admixed American, 0.005%; no homozygotes.

Submissions (4):

Ambry Genetics
Classification: Likely benign for Cardiovascular phenotype. Last evaluated: 2026-09-12. Review status: criteria provided, single submitter. Criteria: Ambry Variant Classification Scheme 2023. Collection method: clinical testing. Allele origin: germline.

Labcorp Genetics (formerly Invitae), Labcorp
Classification: Likely benign for Catecholaminergic polymorphic ventricular tachycardia 1. Last evaluated: 2025-07-03. Review status: criteria provided, single submitter. Criteria: Invitae Variant Classification Sherloc (09022015). Collection method: clinical testing. Allele origin: germline.

All of Us Research Program, National Institutes of Health
Classification: Likely benign for Catecholaminergic polymorphic ventricular tachycardia. Last evaluated: 2023-11-30. Review status: criteria provided, single submitter. Criteria: ACMG Guidelines, 2015. Collection method: clinical testing. Allele origin: germline. Inheritance: Autosomal dominant inheritance. Observed: 2 variant alleles, 2 heterozygotes.
Comment: This study involves interpretation of variants in research participants for the purpose of population health screening. Participant phenotype was not available at the time of variant classification. Additional details can be found in publication PMID: 35346344, PMCID: PMC8962531

Color Diagnostics, LLC DBA Color Health
Classification: Likely benign for Cardiomyopathy. Last evaluated: 2020-10-26. Review status: criteria provided, single submitter. Criteria: ACMG Guidelines, 2015. Collection method: clinical testing. Allele origin: germline.